The following is an entry in ClinVar:

ClinVar aggregate classification (germline): Likely benign. Review status: criteria provided, multiple submitters, no conflicts (2 of 4 stars). 2 submissions from 2 submitters: Likely benign (2). Last evaluated 2018-06-18.

Allele frequency attached by ClinVar (database versions not stated): 1000 Genomes Project 30x 0.01077; 1000 Genomes Project 0.01078; TOPMed 0.01154; gnomAD 0.01272 and 0.01291.
gnomAD v4.1: 27,417 of 1,518,082 alleles (1.8%); highest among the groups gnomAD compares: South Asian, 3%; 313 homozygotes.

Submissions (2):

GeneDx
Classification: Likely benign. Last evaluated: 2018-06-18. Review status: criteria provided, single submitter. Criteria: GeneDx Variant Classification (06012015). Collection method: clinical testing. Allele origin: germline. Affected: yes.
Comment: This variant is considered likely benign or benign based on one or more of the following criteria: it is a conservative change, it occurs at a poorly conserved position in the protein, it is predicted to be benign by multiple in silico algorithms, and/or has population frequency not consistent with disease.

Breakthrough Genomics
Classification: Likely benign. Review status: criteria provided, single submitter. Criteria: ACMG Guidelines, 2015. Collection method: not provided. Allele origin: germline. Inheritance: Autosomal recessive inheritance. Affected: yes.

NM_017827.4(SARS2):c.394-97T>C

Gene: SARS2 (seryl-tRNA synthetase 2, mitochondrial; minus strand). Cytogenetic location: 19q13.2.
Variant type: single nucleotide variant.
Coding change: c.394-97T>C on transcript NM_017827.4 (MANE Select); 97 bases into the intron before coding-DNA position 394, T replaced by C.
Molecular consequence: intron variant.
Genome position (GRCh38, 1-based): chr19:38,921,764, A>G on the plus strand (T>C on the coding strand, the complement: SARS2 is on the minus strand). VCF-style: chr19-38921764-A-G. GRCh37 (hg19) VCF-style: chr19-39412404-A-G.
Other names: c.471-168T>C (NM_001145901.2).
Identifiers: ClinVar variation 675933 (VCV000675933.2), dbSNP rs75345221, ClinGen allele CA14660911.